The following is an entry in ClinVar:

NM_000064.4(C3):c.481C>T (p.Arg161Trp)

Gene: C3 (complement C3; minus strand). Cytogenetic location: 19p13.3.
Variant type: single nucleotide variant.
Coding change: c.481C>T on transcript NM_000064.4 (MANE Select); coding-DNA position 481, C replaced by T.
Protein change: p.Arg161Trp; replaces arginine 161 with tryptophan.
Molecular consequence: missense variant.
Genome position (GRCh38, 1-based): chr19:6,718,117, G>A on the plus strand (C>T on the coding strand, the complement: C3 is on the minus strand). VCF-style: chr19-6718117-G-A. GRCh37 (hg19) VCF-style: chr19-6718128-G-A.
Other names: short protein forms R161W.
Identifiers: ClinVar variation 1163121 (VCV001163121.13), dbSNP rs776423109, ClinGen allele CA403644909.

ClinVar aggregate classification (germline): Pathogenic/Likely pathogenic. Review status: criteria provided, multiple submitters, no conflicts (2 of 4 stars). 6 submissions from 6 submitters: Pathogenic (3); Likely pathogenic (1). 2 of the submissions do not count toward it. Last evaluated 2025-09-30.

Conditions:
Atypical hemolytic-uremic syndrome with C3 anomaly. Also called: AHUS, SUSCEPTIBILITY TO, 5. Identifiers: Orphanet 2134, MedGen C2752037, MONDO:0013043, OMIM 612925.
C3-related disorders.
Atypical hemolytic-uremic syndrome. Identifiers: Orphanet 2134, MedGen C2931788, MONDO:0016244.
C3 glomerulonephritis. Also called: Nephropathy due to CFHR5 Deficiency; C3 GLOMERULOPATHY 3. Identifiers: Orphanet 329931, MedGen C4055342, MONDO:0013892, OMIM 614809.

gnomAD v4.1: 5 of 1,614,136 alleles (0.00031%); highest among the groups gnomAD compares: Non-Finnish European, 0.00042%; no homozygotes.

Submissions (6):

Genomenon, Inc
Classification: Likely pathogenic for C3 glomerulonephritis; Atypical hemolytic-uremic syndrome. Last evaluated: 2025-09-30. Review status: criteria provided, single submitter. Criteria: Genomenon Sequence Variant Interpretation Standards. Collection method: curation. Allele origin: germline. Affected: yes.
Comment: C3 p.Arg161Trp (c.481C>T) is a missense variant that changes the amino acid at residue 161 from Arginine to Tryptophan. This variant has been observed in at least one proband affected with a C3-related disorder (PMID:22246034;22669319;29858281;28295239;22410797). At least one functional study has demonstrated a substantial alteration in protein function relative to the wild-type (PMID:22246034;25879158;22669319). It is absent or not present at a significant frequency in gnomAD. In conclusion, we classify C3 p.Arg161Trp (c.481C>T) as a likely pathogenic variant.

Genetics and Molecular Pathology, SA Pathology
Classification: Pathogenic for Atypical hemolytic-uremic syndrome with C3 anomaly. Last evaluated: 2021-12-15. Review status: criteria provided, single submitter. Criteria: ACMG Guidelines, 2015. Collection method: clinical testing. Allele origin: germline. Inheritance: Autosomal dominant inheritance. Affected: yes.

Blueprint Genetics
Classification: Pathogenic for C3-related disorders. Last evaluated: 2021-09-18. Review status: criteria provided, single submitter. Criteria: ACMG Guidelines, 2015. Collection method: clinical testing. Allele origin: germline. Affected: yes. Observed: 1 variant allele.

Mayo Clinic Laboratories, Mayo Clinic
Classification: Pathogenic. Last evaluated: 2021-03-21. Review status: criteria provided, single submitter. Criteria: ACMG Guidelines, 2015. Collection method: clinical testing. Allele origin: germline.
Comment: PS3, PS4, PM2_supporting

Genome Diagnostics Laboratory, University Medical Center Utrecht
Classification: Pathogenic. Review status: no assertion criteria provided. Collection method: clinical testing. Allele origin: germline. Affected: yes. Study: VKGL Data-share Consensus. Not counted in ClinVar's aggregate classification.

Joint Genome Diagnostic Labs from Nijmegen and Maastricht, Radboudumc and MUMC+
Classification: Pathogenic. Review status: no assertion criteria provided. Collection method: clinical testing. Allele origin: germline. Affected: yes. Study: VKGL Data-share Consensus. Not counted in ClinVar's aggregate classification.

Literature cited by the submitters: PubMed 22246034 (cited by Genomenon, Inc and Mayo Clinic Laboratories, Mayo Clinic); PubMed 22669319 (cited by Genomenon, Inc and Mayo Clinic Laboratories, Mayo Clinic); PubMed 29858281 (cited by Genomenon, Inc); PubMed 28295239 (cited by Genomenon, Inc); PubMed 22410797 (cited by Genomenon, Inc); PubMed 25879158 (cited by Genomenon, Inc and Mayo Clinic Laboratories, Mayo Clinic); PubMed 20203157 (cited by Mayo Clinic Laboratories, Mayo Clinic); PubMed 23307876 (cited by Mayo Clinic Laboratories, Mayo Clinic); PubMed 23431077 (cited by Mayo Clinic Laboratories, Mayo Clinic); PubMed 25608561 (cited by Mayo Clinic Laboratories, Mayo Clinic); PubMed 28187980 (cited by Mayo Clinic Laboratories, Mayo Clinic); PubMed 29888403 (cited by Mayo Clinic Laboratories, Mayo Clinic); PubMed 29500241 (cited by Mayo Clinic Laboratories, Mayo Clinic); PubMed 32342491 (cited by Mayo Clinic Laboratories, Mayo Clinic); PubMed 32265146 (cited by Mayo Clinic Laboratories, Mayo Clinic); PubMed 31865800 (cited by Mayo Clinic Laboratories, Mayo Clinic); PubMed 30890598 (cited by Mayo Clinic Laboratories, Mayo Clinic).